The following is an entry in ClinVar:

NM_013275.6(ANKRD11):c.3009C>T (p.His1003=)

Gene: ANKRD11 (ankyrin repeat domain 11; minus strand). Cytogenetic location: 16q24.3.
Variant type: single nucleotide variant.
Coding change: c.3009C>T on transcript NM_013275.6 (MANE Select); coding-DNA position 3009, C replaced by T.
Protein change: p.His1003=; no amino-acid change (histidine 1003 retained).
Molecular consequence: synonymous variant.
Genome position (GRCh38, 1-based): chr16:89,283,533, G>A on the plus strand (C>T on the coding strand, the complement: ANKRD11 is on the minus strand). VCF-style: chr16-89283533-G-A. GRCh37 (hg19) VCF-style: chr16-89349941-G-A.
Other names: c.3009C>T, p.His1003= (NM_001256182.2, NM_001256183.2).
Identifiers: ClinVar variation 1283527 (VCV001283527.21), dbSNP rs140023344, ClinGen allele CA8242449.

ClinVar aggregate classification (germline): Benign/Likely benign. Review status: criteria provided, multiple submitters, no conflicts (2 of 4 stars). 4 submissions from 4 submitters: Benign (2); Likely benign (2). Last evaluated 2025-10-27.

Conditions:
KBG syndrome (KBGS). Also called: ANKRD11-Related KBG Syndrome. Identifiers: Orphanet 2332, MedGen C0220687, MONDO:0007846, OMIM 148050.

Allele frequency attached by ClinVar (database versions not stated): TOPMed 0.00049; gnomAD 0.00051 and 0.00046; gnomAD exomes 0.00005 and 0.00012; ExAC 0.00019; 1000 Genomes Project 0.00060; 1000 Genomes Project 30x 0.00062; ESP Exome Variant Server 0.00062.
gnomAD v4.1: 139 of 1,613,062 alleles (0.0086%); highest among the groups gnomAD compares: African/African-American, 0.17%; no homozygotes.

Submissions (4):

Labcorp Genetics (formerly Invitae), Labcorp
Classification: Benign for KBG syndrome. Last evaluated: 2025-10-27. Review status: criteria provided, single submitter. Criteria: Invitae Variant Classification Sherloc (09022015). Collection method: clinical testing. Allele origin: germline.

CeGaT Center for Human Genetics Tuebingen
Classification: Likely benign. Last evaluated: 2024-12-01. Review status: criteria provided, single submitter. Criteria: CeGaT Center For Human Genetics Tuebingen Variant Classification Criteria Version 2. Collection method: clinical testing. Allele origin: germline. Affected: yes. Observed: 1 variant allele.
Comment: ANKRD11: BP4, BP7

Blueprint Genetics
Classification: Likely benign. Last evaluated: 2022-09-07. Review status: criteria provided, single submitter. Criteria: ACMG Guidelines, 2015. Collection method: clinical testing. Allele origin: germline.

GeneDx
Classification: Benign. Last evaluated: 2021-02-22. Review status: criteria provided, single submitter. Criteria: GeneDx Variant Classification Process June 2021. Collection method: clinical testing. Allele origin: germline. Affected: yes.